The following is an entry in ClinVar:

ClinVar aggregate classification (germline): Uncertain significance (1 of 4 stars; one submission).

Submission:

Labcorp Genetics (formerly Invitae), Labcorp
Classification: Uncertain significance. Last evaluated: 2022-02-07. Review status: criteria provided, single submitter. Criteria: Invitae Variant Classification Sherloc (09022015). Collection method: clinical testing. Allele origin: germline.
Comment: This sequence change replaces arginine, which is basic and polar, with lysine, which is basic and polar, at codon 733 of the LCT protein (p.Arg733Lys). This variant is not present in population databases (gnomAD no frequency). This variant has not been reported in the literature in individuals affected with LCT-related conditions. Algorithms developed to predict the effect of missense changes on protein structure and function are either unavailable or do not agree on the potential impact of this missense change (SIFT: "Not Available"; PolyPhen-2: "Probably Damaging"; Align-GVGD: "Not Available"). In summary, the available evidence is currently insufficient to determine the role of this variant in disease. Therefore, it has been classified as a Variant of Uncertain Significance.

NM_002299.4(LCT):c.2198G>A (p.Arg733Lys)

Gene: LCT (lactase; minus strand). Cytogenetic location: 2q21.3.
Variant type: single nucleotide variant.
Coding change: c.2198G>A on transcript NM_002299.4 (MANE Select); coding-DNA position 2198, G replaced by A.
Protein change: p.Arg733Lys; replaces arginine 733 with lysine.
Molecular consequence: missense variant.
Genome position (GRCh38, 1-based): chr2:135,812,466, C>T on the plus strand (G>A on the coding strand, the complement: LCT is on the minus strand). VCF-style: chr2-135812466-C-T. GRCh37 (hg19) VCF-style: chr2-136570036-C-T.
Other names: short protein forms R733K.
Identifiers: ClinVar variation 2092758 (VCV002092758.4), dbSNP rs2467223843, ClinGen allele CA348604194.